The following is an entry in ClinVar:

NM_058179.4(PSAT1):c.1024C>T (p.Arg342Trp)

Gene: PSAT1 (phosphoserine aminotransferase 1; plus strand). Cytogenetic location: 9q21.2.
Variant type: single nucleotide variant.
Coding change: c.1024C>T on transcript NM_058179.4 (MANE Select); coding-DNA position 1024, C replaced by T.
Protein change: p.Arg342Trp; replaces arginine 342 with tryptophan.
Molecular consequence: missense variant.
Genome position (GRCh38, 1-based): chr9:78,328,997, C>T. VCF-style: chr9-78328997-C-T. GRCh37 (hg19) VCF-style: chr9-80943913-C-T.
Other names: c.886C>T, p.Arg296Trp (NM_021154.5); short protein forms R296W, R342W.
Identifiers: ClinVar variation 2191628 (VCV002191628.2), dbSNP rs202103028, ClinGen allele CA194418853.
Genomic context (GRCh38, chr9:78,328,997, plus strand): 5'-TTAGACGTTTTTGTTCTCAATGCCTGGATCTTTGGTCATTCTAGGTCTGTGGGAGGCATC[C>T]GGGCCTCTCTGTATAATGCTGTCACAATTGAAGACGTTCAGAAGCTGGCCGCCTTCATGA-3'
Protein context (NP_478059.1, residues 332-352): LKGHRSVGGI[Arg342Trp]ASLYNAVTIE

ClinVar aggregate classification (germline): Uncertain significance (1 of 4 stars; one submission).

Conditions:
Neu-Laxova syndrome 2. Identifiers: Orphanet 2671, Orphanet 583602, MedGen C4015019, MONDO:0014466, OMIM 616038.

Allele frequency attached by ClinVar (database versions not stated): TOPMed below 0.00001.
gnomAD v4.1: 6 of 1,613,710 alleles (0.00037%); highest among the groups gnomAD compares: South Asian, 0.0022%; no homozygotes.

Submission:

Labcorp Genetics (formerly Invitae), Labcorp
Classification: Uncertain significance for Neu-Laxova syndrome 2. Last evaluated: 2025-08-29. Review status: criteria provided, single submitter. Criteria: Invitae Variant Classification Sherloc (09022015). Collection method: clinical testing. Allele origin: germline.
Comment: This sequence change replaces arginine, which is basic and polar, with tryptophan, which is neutral and slightly polar, at codon 342 of the PSAT1 protein (p.Arg342Trp). This variant is not present in population databases (gnomAD no frequency). This missense change has been observed in individual(s) with phosphoserine aminotransferase deficiency (PMID: 31903955). ClinVar contains an entry for this variant (Variation ID: 2191628). Invitae Evidence Modeling of protein sequence and biophysical properties (such as structural, functional, and spatial information, amino acid conservation, physicochemical variation, residue mobility, and thermodynamic stability) indicates that this missense variant is expected to disrupt PSAT1 protein function with a positive predictive value of 80%. Experimental studies have shown that this missense change affects PSAT1 function (PMID: 37627284). In summary, the available evidence is currently insufficient to determine the role of this variant in disease. Therefore, it has been classified as a Variant of Uncertain Significance.

Literature cited by the submitters: PubMed 31903955; PubMed 37627284.